The following is an entry in ClinVar:

NM_017415.3(KLHL3):c.-375C>T

Gene: KLHL3 (kelch like family member 3; minus strand). Cytogenetic location: 5q31.2.
Variant type: single nucleotide variant.
Coding change: c.-375C>T on transcript NM_017415.3 (MANE Select); 375 bases upstream of the start codon, C replaced by T.
Molecular consequence: 5 prime UTR variant.
Genome position (GRCh38, 1-based): chr5:137,736,021, G>A on the plus strand (C>T on the coding strand, the complement: KLHL3 is on the minus strand). VCF-style: chr5-137736021-G-A. GRCh37 (hg19) VCF-style: chr5-137071710-G-A.
Identifiers: ClinVar variation 903760 (VCV000903760.4), dbSNP rs142791401, ClinGen allele CA128122152.

ClinVar aggregate classification (germline): Benign (1 of 4 stars; one submission).

Conditions:
Pseudohypoaldosteronism type 2D (PHA2D). Also called: FAMILIAL HYPERKALEMIC HYPERTENSION; PSEUDOHYPOALDOSTERONISM, TYPE IID, AUTOSOMAL DOMINANT OR RECESSIVE; Pseudohypoaldosteronism Type IID. Identifiers: Orphanet 300525, Orphanet 757, MedGen C3469605, MONDO:0013781, OMIM 614495.

Allele frequency attached by ClinVar (database versions not stated): TOPMed 0.00084; 1000 Genomes Project 0.00100; 1000 Genomes Project 30x 0.00141; gnomAD exomes 0.00017; gnomAD 0.00078 and 0.00084.
gnomAD v4.1: 160 of 373,388 alleles (0.043%); highest among the groups gnomAD compares: African/African-American, 0.24%; no homozygotes.

Submission:

Illumina Laboratory Services, Illumina
Classification: Benign for Pseudohypoaldosteronism type 2D. Last evaluated: 2018-01-12. Review status: criteria provided, single submitter. Criteria: ICSL Variant Classification Criteria 13 December 2019. Collection method: clinical testing. Allele origin: germline.
Comment: This variant was observed in the ICSL laboratory as part of a predisposition screen in an ostensibly healthy population. It had not been previously curated by ICSL or reported in the Human Gene Mutation Database (HGMD: prior to June 1st, 2018), and was therefore a candidate for classification through an automated scoring system. Utilizing variant allele frequency, disease prevalence and penetrance estimates, and inheritance mode, an automated score was calculated to assess if this variant is too frequent to cause the disease. Based on the score and internal cut-off values, a variant classified as benign is not then subjected to further curation. The score for this variant resulted in a classification of benign for this disease.